The following is an entry in ClinVar:

ClinVar aggregate classification (germline): Uncertain significance. Review status: criteria provided, multiple submitters, no conflicts (2 of 4 stars). 3 submissions from 3 submitters: Uncertain significance (3). Last evaluated 2024-04-29.

Conditions:
Inborn genetic diseases. Identifiers: MedGen C0950123, MeSH D030342.
Nephronophthisis. Also called: Juvenile Nephronophthisis. Identifiers: Orphanet 655, MedGen C0687120, MONDO:0019005, HP:0000090.
Nephronophthisis 4 (NPHP4). Also called: NEPHRONOPHTHISIS 4, JUVENILE. Identifiers: Orphanet 655, MedGen C1847013, MONDO:0011752, OMIM 606966.
Senior-Loken syndrome 4 (SLSN4). Identifiers: Orphanet 3156, MedGen C1846979, MONDO:0011756, OMIM 606996.

Allele frequency attached by ClinVar (database versions not stated): gnomAD 0.00001; gnomAD exomes 0.00001; ExAC 0.00002; TOPMed 0.00002.
gnomAD v4.1: 23 of 1,594,512 alleles (0.0014%); highest among the groups gnomAD compares: Non-Finnish European, 0.0018%; no homozygotes.

Submissions (3):

Labcorp Genetics (formerly Invitae), Labcorp
Classification: Uncertain significance for Nephronophthisis. Last evaluated: 2024-04-29. Review status: criteria provided, single submitter. Criteria: Invitae Variant Classification Sherloc (09022015). Collection method: clinical testing. Allele origin: germline.
Comment: This sequence change replaces leucine, which is neutral and non-polar, with valine, which is neutral and non-polar, at codon 924 of the NPHP4 protein (p.Leu924Val). This variant is present in population databases (rs770984804, gnomAD 0.002%). This variant has not been reported in the literature in individuals affected with NPHP4-related conditions. ClinVar contains an entry for this variant (Variation ID: 972063). Advanced modeling of protein sequence and biophysical properties (such as structural, functional, and spatial information, amino acid conservation, physicochemical variation, residue mobility, and thermodynamic stability) performed at Invitae indicates that this missense variant is expected to disrupt NPHP4 protein function with a positive predictive value of 80%. In summary, the available evidence is currently insufficient to determine the role of this variant in disease. Therefore, it has been classified as a Variant of Uncertain Significance.

Ambry Genetics
Classification: Uncertain significance for Inborn genetic diseases. Last evaluated: 2024-01-30. Review status: criteria provided, single submitter. Criteria: Ambry Variant Classification Scheme 2023. Collection method: clinical testing. Allele origin: germline.

Fulgent Genetics
Classification: Uncertain significance for Nephronophthisis 4; Senior-Loken syndrome 4. Last evaluated: 2022-04-22. Review status: criteria provided, single submitter. Criteria: ACMG Guidelines, 2015. Collection method: clinical testing. Allele origin: unknown.

NM_015102.5(NPHP4):c.2770C>G (p.Leu924Val)

Gene: NPHP4 (nephrocystin 4; minus strand). Cytogenetic location: 1p36.31.
Variant type: single nucleotide variant.
Coding change: c.2770C>G on transcript NM_015102.5 (MANE Select); coding-DNA position 2770, C replaced by G.
Protein change: p.Leu924Val; replaces leucine 924 with valine.
Molecular consequence: missense variant. On other transcripts: non-coding transcript variant (1).
Genome position (GRCh38, 1-based): chr1:5,877,140, G>C on the plus strand (C>G on the coding strand, the complement: NPHP4 is on the minus strand). VCF-style: chr1-5877140-G-C. GRCh37 (hg19) VCF-style: chr1-5937200-G-C.
Other names: c.1231C>G, p.Leu411Val (NM_001291593.2); c.1234C>G, p.Leu412Val (NM_001291594.2); c.2770C>G (NM_015102.3); short protein forms L924V, L412V, L411V.
Identifiers: ClinVar variation 972063 (VCV000972063.11), dbSNP rs770984804, ClinGen allele CA553939.